The following is an entry in ClinVar:

ClinVar aggregate classification (germline): Conflicting classifications of pathogenicity. Review status: criteria provided, conflicting classifications (1 of 4 stars). 5 submissions from 5 submitters: Uncertain significance (3); Benign (1); Likely benign (1). Last evaluated 2025-06-08.

Conditions:
GATA2-related disorder. Also called: GATA2-Related Disorders; GATA2-related condition.
Inborn genetic diseases. Identifiers: MedGen C0950123, MeSH D030342.
Deafness-lymphedema-leukemia syndrome. Also called: Emberger syndrome; Lymphedema, primary, with myelodysplasia. Identifiers: Orphanet 3226, MedGen C3279664, MONDO:0013540, OMIM 614038.
Monocytopenia with susceptibility to infections. Also called: MONOCYTOPENIA AND MYCOBACTERIAL INFECTION SYNDROME; MONOCYTOPENIA WITH SUSCEPTIBILITY TO MYCOBACTERIAL, FUNGAL, AND PAPILLOMAVIRUS INFECTIONS AND MYELODYSPLASIA; COMBINED IMMUNODEFICIENCY WITH SUSCEPTIBILITY TO MYCOBACTERIAL, VIRAL, AND FUNGAL INFECTIONS; Dendritic cell, monocyte, B lymphocyte, and natural killer lymphocyte deficiency; IMMUNODEFICIENCY 21; GATA2 DEFICIENCY. Identifiers: Orphanet 228423, MedGen C3280030, MONDO:0013607, OMIM 614172.
Acute myeloid leukemia (AML). Also called: Leukemia, acute myeloid, somatic; Leukemia, acute myelogenous, somatic; Acute myeloid leukemia, adult; AML adult; Acute non-lymphocytic leukemia; Acute granulocytic leukemia. Identifiers: Orphanet 519, MedGen C0023467, MeSH D015470, MONDO:0018874, OMIM 601626, HP:0004808. Disease mechanism: Constitutively activated FLT3.

Allele frequency attached by ClinVar (database versions not stated): gnomAD exomes 0.00001 and 0.00004; ExAC 0.00002; gnomAD 0.00002 and 0.00003; TOPMed 0.00005; 1000 Genomes Project 30x 0.00016; 1000 Genomes Project 0.00020.
gnomAD v4.1: 23 of 1,614,196 alleles (0.0014%); highest among the groups gnomAD compares: East Asian, 0.04%; no homozygotes.

Submissions (5):

Labcorp Genetics (formerly Invitae), Labcorp
Classification: Likely benign for Monocytopenia with susceptibility to infections; Deafness-lymphedema-leukemia syndrome. Last evaluated: 2025-06-08. Review status: criteria provided, single submitter. Criteria: Invitae Variant Classification Sherloc (09022015). Collection method: clinical testing. Allele origin: germline.

GeneDx
Classification: Uncertain significance. Last evaluated: 2025-01-24. Review status: criteria provided, single submitter. Criteria: GeneDx Variant Classification Process June 2021. Collection method: clinical testing. Allele origin: germline. Affected: yes.
Comment: In silico analysis indicates that this missense variant does not alter protein structure/function; Has not been previously published as pathogenic or benign germline variant to our knowledge; This variant is associated with the following publications: (PMID: 30190467)

Ambry Genetics
Classification: Benign for Inborn genetic diseases. Last evaluated: 2024-06-26. Review status: criteria provided, single submitter. Criteria: Ambry Variant Classification Scheme 2023. Collection method: clinical testing. Allele origin: germline.

Baylor Genetics
Classification: Uncertain significance for Acute myeloid leukemia. Last evaluated: 2023-12-27. Review status: criteria provided, single submitter. Criteria: ACMG Guidelines, 2015. Collection method: clinical testing. Allele origin: unknown.

PreventionGenetics, part of Exact Sciences
Classification: Uncertain significance for GATA2-related condition. Last evaluated: 2023-08-28. Review status: criteria provided, single submitter. Criteria: ACMG Guidelines, 2015. Collection method: clinical testing. Allele origin: germline.
Comment: The GATA2 c.669G>A variant is predicted to result in the amino acid substitution p.Met223Ile. To our knowledge, this variant has not been reported in the literature. This variant is reported in 0.049% of alleles in individuals of East Asian descent in gnomAD. Although we suspect that this variant may be benign, at this time, the clinical significance of this variant is uncertain due to the absence of conclusive functional and genetic evidence.

NM_032638.5(GATA2):c.669G>A (p.Met223Ile)

Gene: GATA2 (GATA binding protein 2; minus strand). Cytogenetic location: 3q21.3.
Variant type: single nucleotide variant.
Coding change: c.669G>A on transcript NM_032638.5 (MANE Select); coding-DNA position 669, G replaced by A.
Protein change: p.Met223Ile; replaces methionine 223 with isoleucine.
Molecular consequence: missense variant.
Genome position (GRCh38, 1-based): chr3:128,485,929, C>T on the plus strand (G>A on the coding strand, the complement: GATA2 is on the minus strand). VCF-style: chr3-128485929-C-T. GRCh37 (hg19) VCF-style: chr3-128204772-C-T.
Other names: c.669G>A (NM_001145661.1); c.669G>A, p.Met223Ile (NM_001145661.2, NM_001145662.1); short protein forms M223I.
Identifiers: ClinVar variation 404079 (VCV000404079.17), dbSNP rs140382420, ClinGen allele CA2599980.